The following is an entry in ClinVar:

ClinVar aggregate classification (germline): Conflicting classifications of pathogenicity. Review status: criteria provided, conflicting classifications (1 of 4 stars). 3 submissions from 3 submitters: Uncertain significance (1); Likely benign (2). Last evaluated 2026-01-27.

Conditions:
NIK deficiency. Also called: Primary immunodeficiency with multifaceted aberrant lymphoid immunity. Identifiers: Orphanet 447731, MedGen C5680065, MONDO:0018642.

Allele frequency attached by ClinVar (database versions not stated): 1000 Genomes Project 30x 0.00016; 1000 Genomes Project 0.00020; ESP Exome Variant Server 0.00131; TOPMed 0.00178; gnomAD 0.00200 and 0.00209.
gnomAD v4.1: 4,653 of 1,606,984 alleles (0.29%); highest among the groups gnomAD compares: Non-Finnish European, 0.37%; 8 homozygotes.

Submissions (3):

Labcorp Genetics (formerly Invitae), Labcorp
Classification: Likely benign for NIK deficiency. Last evaluated: 2026-01-27. Review status: criteria provided, single submitter. Criteria: Invitae Variant Classification Sherloc (09022015). Collection method: clinical testing. Allele origin: germline.

Blueprint Genetics
Classification: Likely benign. Last evaluated: 2024-11-25. Review status: criteria provided, single submitter. Criteria: ACMG Guidelines, 2015. Collection method: clinical testing. Allele origin: germline.

ARUP Laboratories, Molecular Genetics and Genomics, ARUP Laboratories
Classification: Uncertain significance. Last evaluated: 2020-04-13. Review status: criteria provided, single submitter. Criteria: ARUP Molecular Germline Variant Investigation Process. Collection method: clinical testing. Allele origin: germline.
Comment: The MAP3K14 c.2290A>G; p.Thr764Ala variant (rs56302559), to our knowledge, is not reported in the medical literature but is reported as likely benign in ClinVar (Variation ID: 478059). This variant is found in the general population with an overall allele frequency of 0.19% (495/266794 alleles) in the Genome Aggregation Database. The threonine at codon 764 is highly conserved, but computational analyses (SIFT, PolyPhen-2) predict that this variant is tolerated. Due to limited information, the clinical significance of the p.Thr764Ala variant is uncertain at this time.

NM_003954.5(MAP3K14):c.2290A>G (p.Thr764Ala)

Genes: MAP3K14-AS1 (MAP3K14 antisense RNA 1; plus strand), MAP3K14 (mitogen-activated protein kinase kinase kinase 14; minus strand), LOC126862575 (CDK7 strongly-dependent group 2 enhancer GRCh37_chr17:43344006-43345205; plus strand). Cytogenetic location: 17q21.31.
Variant type: single nucleotide variant.
Coding change: c.2290A>G on transcript NM_003954.5 (MANE Select); coding-DNA position 2290, A replaced by G.
Protein change: p.Thr764Ala; replaces threonine 764 with alanine.
Molecular consequence: missense variant.
Genome position (GRCh38, 1-based): chr17:45,267,442, T>C on the plus strand (A>G on the coding strand, the complement: MAP3K14 is on the minus strand). VCF-style: chr17-45267442-T-C. GRCh37 (hg19) VCF-style: chr17-43344809-T-C.
Other names: c.2290A>G, p.Thr764Ala (LRG_1222t1); short protein forms T764A.
Identifiers: ClinVar variation 478059 (VCV000478059.22), dbSNP rs56302559, ClinGen allele CA8613920.